The following is an entry in ClinVar:

NM_014727.3(KMT2B):c.2816C>A (p.Thr939Lys)

Gene: KMT2B (lysine methyltransferase 2B; plus strand). Cytogenetic location: 19q13.12.
Variant type: single nucleotide variant.
Coding change: c.2816C>A on transcript NM_014727.3 (MANE Select); coding-DNA position 2816, C replaced by A.
Protein change: p.Thr939Lys; replaces threonine 939 with lysine.
Molecular consequence: missense variant.
Genome position (GRCh38, 1-based): chr19:35,723,088, C>A. VCF-style: chr19-35723088-C-A. GRCh37 (hg19) VCF-style: chr19-36213990-C-A.
Other names: short protein forms T939K.
Identifiers: ClinVar variation 3648220 (VCV003648220.2).

ClinVar aggregate classification (germline): Uncertain significance (1 of 4 stars; one submission).

Submission:

Labcorp Genetics (formerly Invitae), Labcorp
Classification: Uncertain significance. Last evaluated: 2024-03-30. Review status: criteria provided, single submitter. Criteria: Invitae Variant Classification Sherloc (09022015). Collection method: clinical testing. Allele origin: germline.
Comment: This sequence change replaces threonine, which is neutral and polar, with lysine, which is basic and polar, at codon 939 of the KMT2B protein (p.Thr939Lys). This variant is not present in population databases (gnomAD no frequency). This variant has not been reported in the literature in individuals affected with KMT2B-related conditions. Advanced modeling of protein sequence and biophysical properties (such as structural, functional, and spatial information, amino acid conservation, physicochemical variation, residue mobility, and thermodynamic stability) performed at Invitae indicates that this missense variant is not expected to disrupt KMT2B protein function with a negative predictive value of 95%. In summary, the available evidence is currently insufficient to determine the role of this variant in disease. Therefore, it has been classified as a Variant of Uncertain Significance.